The following is an entry in ClinVar:

ClinVar aggregate classification (germline): Benign/Likely benign. Review status: criteria provided, multiple submitters, no conflicts (2 of 4 stars). 8 submissions from 8 submitters: Benign (1); Likely benign (7). Last evaluated 2026-02-01.

Conditions:
Hereditary cancer-predisposing syndrome. Also called: Tumor predisposition; Hereditary Cancer Syndrome; Hereditary neoplastic syndrome; Neoplastic Syndromes, Hereditary. Identifiers: Orphanet 140162, MedGen C0027672, MeSH D009386, MONDO:0015356.
Hirschsprung disease, susceptibility to, 1 (HSCR1). Also called: RET-Related Hirschsprung Disease. Identifiers: Orphanet 388, MedGen C3888239, MONDO:0007723, OMIM 142623.
Multiple endocrine neoplasia type 2B. Also called: WAGENMANN-FROBOESE SYNDROME; MULTIPLE ENDOCRINE NEOPLASIA, TYPE III; MULTIPLE ENDOCRINE NEOPLASIA, TYPE IIB; MEN IIB; NEUROMATA, MUCOSAL, WITH ENDOCRINE TUMORS; MEN 2B. Identifiers: Orphanet 247709, Orphanet 653, MedGen C0025269, MeSH D018814, MONDO:0008082, OMIM 162300.
Pheochromocytoma. Also called: MAX-Related Hereditary Paraganglioma-Pheochromocytoma Syndrome. Identifiers: Orphanet 29072, MedGen C0031511, MONDO:0008233, OMIM 171300, HP:0002666.
Familial medullary thyroid carcinoma (MTC). Also called: Thyroid cancer, familial medullary; MTC, familial; Familial Medullary Thyroid Carcinoma (FMTC). Identifiers: Orphanet 653, Orphanet 99361, MedGen C1833921, MONDO:0007958, OMIM 155240.
Multiple endocrine neoplasia type 2A. Also called: Multiple Endocrine Neoplasia Type 2A (MEN2A); MULTIPLE ENDOCRINE NEOPLASIA, TYPE IIA; PTC SYNDROME; SIPPLE SYNDROME; MEN 2A; MEN-2A syndrome. Identifiers: Orphanet 247698, Orphanet 653, MedGen C0025268, MeSH D018813, MONDO:0008234, OMIM 171400.
RET-related disorder. Also called: RET-related condition; RET-related disease; RET-related disorders.
Multiple endocrine neoplasia, type 2 (MEN2). Identifiers: Orphanet 653, MedGen C4048306, MONDO:0019003. Disease mechanism: gain of function.

Allele frequency attached by ClinVar (database versions not stated): gnomAD exomes 0.00003 and 0.00006; TOPMed 0.00006; ESP Exome Variant Server 0.00008; gnomAD 0.00008 and 0.00009; ExAC 0.00015; 1000 Genomes Project 30x 0.00016; 1000 Genomes Project 0.00020.
gnomAD v4.1: 57 of 1,576,250 alleles (0.0036%); highest among the groups gnomAD compares: East Asian, 0.023%; no homozygotes.

Submissions (8):

Labcorp Genetics (formerly Invitae), Labcorp
Classification: Likely benign for Multiple endocrine neoplasia, type 2. Last evaluated: 2026-02-01. Review status: criteria provided, single submitter. Criteria: Invitae Variant Classification Sherloc (09022015). Collection method: clinical testing. Allele origin: germline.

Myriad Genetics, Inc.
Classification: Benign for Multiple endocrine neoplasia type 2A. Last evaluated: 2025-02-25. Review status: criteria provided, single submitter. Criteria: Myriad Autosomal Dominant, Autosomal Recessive and X-Linked Classification Criteria (2023). Collection method: clinical testing. Allele origin: unknown.
Comment: This variant is considered benign. This variant is a silent/synonymous amino acid change and it is not expected to impact splicing.

PreventionGenetics, part of Exact Sciences
Classification: Likely benign for RET-related condition. Last evaluated: 2024-10-17. Review status: criteria provided, single submitter. Criteria: ACMG Guidelines, 2015. Collection method: clinical testing. Allele origin: germline.
Comment: This variant is classified as likely benign based on ACMG/AMP sequence variant interpretation guidelines (Richards et al. 2015 PMID: 25741868, with internal and published modifications).

Blueprint Genetics
Classification: Likely benign. Last evaluated: 2024-07-18. Review status: criteria provided, single submitter. Criteria: ACMG Guidelines, 2015. Collection method: clinical testing. Allele origin: germline.

Ambry Genetics
Classification: Likely benign for Hereditary cancer-predisposing syndrome. Last evaluated: 2023-08-10. Review status: criteria provided, single submitter. Criteria: Ambry Variant Classification Scheme 2023. Collection method: clinical testing. Allele origin: germline.

Color Diagnostics, LLC DBA Color Health
Classification: Likely benign for Multiple endocrine neoplasia, type 2. Last evaluated: 2022-11-06. Review status: criteria provided, single submitter. Criteria: ACMG Guidelines, 2015. Collection method: clinical testing. Allele origin: germline.

Fulgent Genetics
Classification: Likely benign for Hirschsprung disease, susceptibility to, 1; Familial medullary thyroid carcinoma; Multiple endocrine neoplasia type 2B; Pheochromocytoma; Multiple endocrine neoplasia type 2A. Last evaluated: 2021-12-13. Review status: criteria provided, single submitter. Criteria: ACMG Guidelines, 2015. Collection method: clinical testing. Allele origin: unknown.

GeneDx
Classification: Likely benign. Last evaluated: 2019-01-30. Review status: criteria provided, single submitter. Criteria: GeneDx Variant Classification Process June 2021. Collection method: clinical testing. Allele origin: germline. Affected: yes.
Comment: See Variant Classification Assertion Criteria.

NM_020975.6(RET):c.1596C>T (p.Gly532=)

Gene: RET (ret proto-oncogene; plus strand). Cytogenetic location: 10q11.21.
Variant type: single nucleotide variant.
Coding change: c.1596C>T on transcript NM_020975.6 (MANE Select); coding-DNA position 1596, C replaced by T.
Protein change: p.Gly532=; no amino-acid change (glycine 532 retained).
Molecular consequence: synonymous variant.
Genome position (GRCh38, 1-based): chr10:43,112,172, C>T. VCF-style: chr10-43112172-C-T. GRCh37 (hg19) VCF-style: chr10-43607620-C-T.
Other names: c.1596C>T, p.Gly532= (NM_000323.2, NM_001406743.1, NM_001406744.1 and 6 more transcripts); c.834C>T, p.Gly278= (NM_001355216.2); c.1467C>T, p.Gly489= (NM_001406761.1, NM_001406762.1, NM_001406764.1 and 1 more transcripts); c.1308C>T, p.Gly436= (NM_001406766.1, NM_001406767.1, NM_001406770.1); c.1200C>T, p.Gly400= (NM_001406769.1, NM_001406772.1); c.1158C>T, p.Gly386= (NM_001406771.1, NM_001406773.1); c.1071C>T, p.Gly357= (NM_001406774.1); c.870C>T, p.Gly290= (NM_001406775.1, NM_001406776.1, NM_001406777.1 and 1 more transcripts); and 5 more.
Identifiers: ClinVar variation 413470 (VCV000413470.22), dbSNP rs144460361, ClinGen allele CA034555.